The following is an entry in ClinVar:

ClinVar aggregate classification (germline): Uncertain significance (1 of 4 stars; one submission).

Submission:

Labcorp Genetics (formerly Invitae), Labcorp
Classification: Uncertain significance. Last evaluated: 2025-03-30. Review status: criteria provided, single submitter. Criteria: Invitae Variant Classification Sherloc (09022015). Collection method: clinical testing. Allele origin: germline.
Comment: This sequence change replaces arginine, which is basic and polar, with histidine, which is basic and polar, at codon 614 of the RNF31 protein (p.Arg614His). This variant is present in population databases (no rsID available, gnomAD 0.0009%). This variant has not been reported in the literature in individuals affected with RNF31-related conditions. An algorithm developed to predict the effect of missense changes on protein structure and function (PolyPhen-2) suggests that this variant is likely to be disruptive. In summary, the available evidence is currently insufficient to determine the role of this variant in disease. Therefore, it has been classified as a Variant of Uncertain Significance.

NM_017999.5(RNF31):c.1841G>A (p.Arg614His)

Gene: RNF31 (ring finger protein 31; plus strand). Cytogenetic location: 14q12.
Variant type: single nucleotide variant.
Coding change: c.1841G>A on transcript NM_017999.5 (MANE Select); coding-DNA position 1841, G replaced by A.
Protein change: p.Arg614His; replaces arginine 614 with histidine.
Molecular consequence: missense variant.
Genome position (GRCh38, 1-based): chr14:24,151,588, G>A. VCF-style: chr14-24151588-G-A. GRCh37 (hg19) VCF-style: chr14-24620797-G-A.
Other names: c.1388G>A, p.Arg463His (NM_001310332.2); short protein forms R463H, R614H.
Identifiers: ClinVar variation 4775900 (VCV004775900.1).
Genomic context (GRCh38, chr14:24,151,588, plus strand): 5'-CTCTCCAGGCATTGTTCCAGCACGGAGGTGATGTGTCACGGGCCCTGACTGAGCTACAGC[G>A]CCAACGCCTAGAGCCCTTCCGCCAGCGCCTCTGGGACAGTGGCCCTGAGCCCACCCCTTC-3'
Protein context (NP_060469.4, residues 604-624): DVSRALTELQ[Arg614His]QRLEPFRQRL